The following is an entry in ClinVar:

NM_000363.5(TNNI3):c.606G>A (p.Glu202=)

Gene: TNNI3 (troponin I3, cardiac type; minus strand). Cytogenetic location: 19q13.42.
Variant type: single nucleotide variant.
Coding change: c.606G>A on transcript NM_000363.5 (MANE Select); coding-DNA position 606, G replaced by A.
Protein change: p.Glu202=; no amino-acid change (glutamic acid 202 retained).
Molecular consequence: synonymous variant.
Genome position (GRCh38, 1-based): chr19:55,151,861, C>T on the plus strand (G>A on the coding strand, the complement: TNNI3 is on the minus strand). VCF-style: chr19-55151861-C-T. GRCh37 (hg19) VCF-style: chr19-55663229-C-T.
Identifiers: ClinVar variation 695198 (VCV000695198.21), dbSNP rs796474405, ClinGen allele CA310144864.

ClinVar aggregate classification (germline): Likely benign. Review status: criteria provided, multiple submitters, no conflicts (2 of 4 stars). 7 submissions from 7 submitters: Likely benign (4). 3 of the submissions do not count toward it. Last evaluated 2024-02-05.

Conditions:
Hypertrophic cardiomyopathy. Also called: HYPERTROPHIC MYOCARDIOPATHY. Identifiers: Orphanet 217569, MedGen C0007194, MeSH D002312, MONDO:0005045, HP:0001639.
Cardiomyopathy (CMYO). Also called: Cardiomyopathies. Identifiers: Orphanet 167848, MedGen C0878544, MONDO:0004994, HP:0001638. Inheritance: Various modes of inheritance.

Allele frequency attached by ClinVar (database versions not stated): gnomAD exomes 0.00001 and 0.00002; gnomAD 0.00001; TOPMed 0.00001.
gnomAD v4.1: 15 of 1,614,036 alleles (0.00093%); highest among the groups gnomAD compares: Non-Finnish European, 0.0012%; no homozygotes.

Submissions (7):

All of Us Research Program, National Institutes of Health
Classification: Likely benign for Hypertrophic cardiomyopathy. Last evaluated: 2024-02-05. Review status: criteria provided, single submitter. Criteria: ACMG Guidelines, 2015. Collection method: clinical testing. Allele origin: germline. Inheritance: Autosomal dominant inheritance. Observed: 5 variant alleles, 5 heterozygotes.
Comment: This study involves interpretation of variants in research participants for the purpose of population health screening. Participant phenotype was not available at the time of variant classification. Additional details can be found in publication PMID: 35346344, PMCID: PMC8962531

Labcorp Genetics (formerly Invitae), Labcorp
Classification: Likely benign for Hypertrophic cardiomyopathy. Last evaluated: 2023-07-17. Review status: criteria provided, single submitter. Criteria: Invitae Variant Classification Sherloc (09022015). Collection method: clinical testing. Allele origin: germline.

CHEO Genetics Diagnostic Laboratory, Children's Hospital of Eastern Ontario
Classification: Likely benign for Cardiomyopathy. Last evaluated: 2023-04-24. Review status: criteria provided, single submitter. Criteria: ACMG Guidelines, 2015. Collection method: clinical testing. Allele origin: germline.

Color Diagnostics, LLC DBA Color Health
Classification: Likely benign for Cardiomyopathy. Last evaluated: 2019-12-09. Review status: criteria provided, single submitter. Criteria: ACMG Guidelines, 2015. Collection method: clinical testing. Allele origin: germline.

Diagnostic Laboratory, Department of Genetics, University Medical Center Groningen
Classification: Likely benign. Review status: no assertion criteria provided. Collection method: clinical testing. Allele origin: germline. Affected: yes. Study: VKGL Data-share Consensus. Not counted in ClinVar's aggregate classification.

Genome Diagnostics Laboratory, University Medical Center Utrecht
Classification: Likely benign. Review status: no assertion criteria provided. Collection method: clinical testing. Allele origin: germline. Affected: yes. Study: VKGL Data-share Consensus. Not counted in ClinVar's aggregate classification.

Joint Genome Diagnostic Labs from Nijmegen and Maastricht, Radboudumc and MUMC+
Classification: Likely benign. Review status: no assertion criteria provided. Collection method: clinical testing. Allele origin: germline. Affected: yes. Study: VKGL Data-share Consensus. Not counted in ClinVar's aggregate classification.